The following is an entry in ClinVar:

ClinVar aggregate classification (germline): Benign/Likely benign. Review status: criteria provided, multiple submitters, no conflicts (2 of 4 stars). 4 submissions from 4 submitters: Benign (1); Likely benign (3). Last evaluated 2026-01-23.

Conditions:
MHC class I deficiency. Identifiers: Orphanet 34592, MedGen C6024714, MONDO:0011476.

Allele frequency attached by ClinVar (database versions not stated): gnomAD exomes 0.00049; ExAC 0.00075; gnomAD 0.00148 and 0.00149; TOPMed 0.00188; ESP Exome Variant Server 0.00231; 1000 Genomes Project 0.00419; 1000 Genomes Project 30x 0.00437.
gnomAD v4.1: 429 of 1,613,190 alleles (0.027%); highest among the groups gnomAD compares: African/African-American, 0.44%; 2 homozygotes.

Submissions (4):

Women's Health and Genetics/Laboratory Corporation of America, LabCorp
Classification: Likely benign. Last evaluated: 2026-01-23. Review status: criteria provided, single submitter. Criteria: LabCorp Variant Classification Summary - May 2015. Collection method: clinical testing. Allele origin: germline.

Labcorp Genetics (formerly Invitae), Labcorp
Classification: Benign for MHC class I deficiency 1. Last evaluated: 2026-01-19. Review status: criteria provided, single submitter. Criteria: Invitae Variant Classification Sherloc (09022015). Collection method: clinical testing. Allele origin: germline.

Blueprint Genetics
Classification: Likely benign. Last evaluated: 2024-11-06. Review status: criteria provided, single submitter. Criteria: ACMG Guidelines, 2015. Collection method: clinical testing. Allele origin: germline.

CeGaT Center for Human Genetics Tuebingen
Classification: Likely benign. Last evaluated: 2024-02-01. Review status: criteria provided, single submitter. Criteria: CeGaT Center For Human Genetics Tuebingen Variant Classification Criteria Version 2. Collection method: clinical testing. Allele origin: germline. Affected: yes. Observed: 1 variant allele.
Comment: TAP2: BP4, BP7, BS2

NM_001290043.2(TAP2):c.1878G>A (p.Arg626=)

Gene: TAP2 (transporter 2, ATP binding cassette subfamily B member; minus strand). Cytogenetic location: 6p21.32.
Variant type: single nucleotide variant.
Coding change: c.1878G>A on transcript NM_001290043.2 (MANE Select); coding-DNA position 1878, G replaced by A.
Protein change: p.Arg626=; no amino-acid change (arginine 626 retained).
Molecular consequence: synonymous variant.
Genome position (GRCh38, 1-based): chr6:32,829,454, C>T on the plus strand (G>A on the coding strand, the complement: TAP2 is on the minus strand). VCF-style: chr6-32829454-C-T. GRCh37 (hg19) VCF-style: chr6-32797231-C-T.
Other names: c.1878G>A, p.Arg626= (NM_000544.3, NM_018833.3).
Identifiers: ClinVar variation 732070 (VCV000732070.35), dbSNP rs141926520, ClinGen allele CA3745773.